The following is an entry in ClinVar:

ClinVar aggregate classification (germline): Benign/Likely benign. Review status: criteria provided, multiple submitters, no conflicts (2 of 4 stars). 27 submissions from 26 submitters: Benign (16); Likely benign (5). 6 of the submissions do not count toward it. Last evaluated 2026-09-01.

Conditions:
Lung lymphangioleiomyomatosis. Identifiers: Orphanet 538, MedGen C0349649, MONDO:0006277.
Tuberous sclerosis syndrome (TSC). Also called: Tuberous Sclerosis Complex; Tuberous sclerosis. Identifiers: Orphanet 805, MedGen C0041341, MONDO:0001734.
Hereditary cancer-predisposing syndrome. Also called: Neoplastic Syndromes, Hereditary; Tumor predisposition; Hereditary Cancer Syndrome; Hereditary neoplastic syndrome. Identifiers: Orphanet 140162, MedGen C0027672, MeSH D009386, MONDO:0015356.
Tuberous sclerosis 2 (TSC2). Identifiers: Orphanet 805, MedGen C1860707, MONDO:0013199, OMIM 613254.
Lymphangiomyomatosis (LAM). Also called: Lymphangioleiomyomatosis; Lymphangioleiomyomatosis, somatic. Identifiers: Orphanet 538, MedGen C0751674, MONDO:0011705, OMIM 606690.

Allele frequency attached by ClinVar (database versions not stated): gnomAD exomes 0.00310; ESP Exome Variant Server 0.00408; 1000 Genomes Project 30x 0.00016; 1000 Genomes Project 0.00020; ExAC 0.00278; gnomAD 0.00284 and 0.00288; TOPMed 0.00292.
gnomAD v4.1: 6,078 of 1,613,256 alleles (0.38%); highest among the groups gnomAD compares: Non-Finnish European, 0.4%; 19 homozygotes.

Submissions (27):

CeGaT Center for Human Genetics Tuebingen
Classification: Likely benign. Last evaluated: 2026-09-01. Review status: criteria provided, single submitter. Criteria: CeGaT Center For Human Genetics Tuebingen Variant Classification Criteria Version 2. Collection method: clinical testing. Allele origin: germline. Affected: yes. Observed: 125 variant alleles.
Comment: TSC2: BP4, BP7, BS1

Labcorp Genetics (formerly Invitae), Labcorp
Classification: Benign for Tuberous sclerosis 2. Last evaluated: 2026-02-03. Review status: criteria provided, single submitter. Criteria: Invitae Variant Classification Sherloc (09022015). Collection method: clinical testing. Allele origin: germline.

Mayo Clinic Laboratories, Mayo Clinic
Classification: Likely benign. Last evaluated: 2025-07-09. Review status: criteria provided, single submitter. Criteria: ACMG Guidelines, 2015. Collection method: clinical testing. Allele origin: germline. Observed: 10 variant alleles.
Comment: BS1, BP4, BP7

Myriad Genetics, Inc.
Classification: Benign for Tuberous sclerosis 2. Last evaluated: 2025-06-04. Review status: criteria provided, single submitter. Criteria: Myriad Autosomal Dominant, Autosomal Recessive and X-Linked Classification Criteria (2023). Collection method: clinical testing. Allele origin: unknown.
Comment: This variant is considered benign. This variant is a silent/synonymous amino acid change and it is not expected to impact splicing.

ARUP Laboratories, Molecular Genetics and Genomics, ARUP Laboratories
Classification: Benign. Last evaluated: 2025-05-01. Review status: criteria provided, single submitter. Criteria: ARUP Molecular Germline Variant Investigation Process 2024. Collection method: clinical testing. Allele origin: germline.

Athena Diagnostics
Classification: Benign. Last evaluated: 2025-02-11. Review status: criteria provided, single submitter. Criteria: Athena Diagnostics Criteria. Collection method: clinical testing. Allele origin: unknown.
Comment: The frequency of this variant in the general population is higher than would generally be expected for pathogenic variants in this gene.

Blueprint Genetics
Classification: Likely benign. Last evaluated: 2024-11-25. Review status: criteria provided, single submitter. Criteria: ACMG Guidelines, 2015. Collection method: clinical testing. Allele origin: germline.

All of Us Research Program, National Institutes of Health
Classification: Benign for Tuberous sclerosis syndrome. Last evaluated: 2024-02-05. Review status: criteria provided, single submitter. Criteria: ACMG Guidelines, 2015. Collection method: clinical testing. Allele origin: germline. Inheritance: Autosomal dominant inheritance. Observed: 891 variant alleles, 884 heterozygotes, 7 homozygotes.
Comment: This study involves interpretation of variants in research participants for the purpose of population health screening. Participant phenotype was not available at the time of variant classification. Additional details can be found in publication PMID: 35346344, PMCID: PMC8962531

Department of Pathology and Laboratory Medicine, Sinai Health System
Classification: Benign for Lung lymphangioleiomyomatosis; Tuberous sclerosis syndrome. Last evaluated: 2023-09-20. Review status: criteria provided, single submitter. Criteria: ACMG Guidelines, 2015. Collection method: clinical testing. Allele origin: germline. Affected: yes.

KCCC/NGS Laboratory, Kuwait Cancer Control Center
Classification: Benign for Tuberous sclerosis 2. Last evaluated: 2023-07-07. Review status: criteria provided, single submitter. Criteria: ACMG Guidelines, 2015. Collection method: clinical testing. Allele origin: germline. Affected: yes.

Genome-Nilou Lab
Classification: Benign for Tuberous sclerosis 2. Last evaluated: 2021-11-07. Review status: criteria provided, single submitter. Criteria: ACMG Guidelines, 2015. Collection method: clinical testing. Allele origin: germline. Affected: no.

Genetic Services Laboratory, University of Chicago
Classification: Benign. Last evaluated: 2021-06-15. Review status: criteria provided, single submitter. Criteria: ACMG Guidelines, 2015. Collection method: clinical testing. Allele origin: germline. Affected: no.

Sema4
Classification: Benign for Hereditary cancer-predisposing syndrome. Last evaluated: 2020-07-08. Review status: criteria provided, single submitter. Criteria: Sema4 Curation Guidelines. Collection method: curation. Allele origin: germline.

Color Diagnostics, LLC DBA Color Health
Classification: Benign for Tuberous sclerosis syndrome. Last evaluated: 2019-03-29. Review status: criteria provided, single submitter. Criteria: ACMG Guidelines, 2015. Collection method: clinical testing. Allele origin: germline.

Illumina Laboratory Services, Illumina
Classification: Benign for Tuberous sclerosis syndrome. Last evaluated: 2018-01-12. Review status: criteria provided, single submitter. Criteria: ICSL Variant Classification Criteria 13 December 2019. Collection method: clinical testing. Allele origin: germline.
Comment: This variant was observed in the ICSL laboratory as part of a predisposition screen in an ostensibly healthy population. It had not been previously curated by ICSL or reported in the Human Gene Mutation Database (HGMD: prior to June 1st, 2018), and was therefore a candidate for classification through an automated scoring system. Utilizing variant allele frequency, disease prevalence and penetrance estimates, and inheritance mode, an automated score was calculated to assess if this variant is too frequent to cause the disease. Based on the score and internal cut-off values, a variant classified as benign is not then subjected to further curation. The score for this variant resulted in a classification of benign for this disease.

Women's Health and Genetics/Laboratory Corporation of America, LabCorp
Classification: Benign. Last evaluated: 2018-01-02. Review status: criteria provided, single submitter. Criteria: LabCorp Variant Classification Summary - May 2015. Collection method: clinical testing. Allele origin: germline.
Comment: Variant summary: The TSC2 c.4536C>T (p.Asp1512Asp) variant involves the alteration of a non-conserved nucleotide, resulting in a synonymous change. One in silico tool predicts a damaging outcome for this variant. 5/5 splice prediction tools predict no significant impact on normal splicing. ESE finder predicts that this variant may affect ESE sites. However, these predictions have yet to be confirmed by functional studies. This variant was found in 852/276658 control chromosomes (3 homozygotes) at a frequency of 0.0030796, which is approximately 45 times the estimated maximal expected allele frequency of a pathogenic TSC2 variant (0.0000688), suggesting this variant is likely a benign polymorphism. This variant has been reported in multiple affected indiviudals without strong evidence for caulsality. In addition, multiple clinical diagnostic laboratories/reputable databases classified this variant as benign/likely benign. Taken together, this variant is classified as benign.

Eurofins Ntd Llc (ga)
Classification: Benign. Last evaluated: 2015-01-07. Review status: criteria provided, single submitter. Criteria: EGL Classification Definitions 2015. Collection method: clinical testing. Allele origin: germline. Observed: 2 variant alleles, 2 heterozygotes.

Ambry Genetics
Classification: Likely benign for Hereditary cancer-predisposing syndrome. Last evaluated: 2014-10-14. Review status: criteria provided, single submitter. Criteria: Ambry Variant Classification Scheme 2023. Collection method: clinical testing. Allele origin: germline.

GeneDx
Classification: Benign. Last evaluated: 2013-10-11. Review status: criteria provided, single submitter. Criteria: GeneDx Variant Classification (06012015). Collection method: clinical testing. Allele origin: germline. Affected: yes.
Comment: This variant is considered likely benign or benign based on one or more of the following criteria: it is a conservative change, it occurs at a poorly conserved position in the protein, it is predicted to be benign by multiple in silico algorithms, and/or has population frequency not consistent with disease.

Breakthrough Genomics
Classification: Likely benign. Review status: criteria provided, single submitter. Criteria: ACMG Guidelines, 2015. Collection method: not provided. Allele origin: germline. Inheritance: Autosomal dominant inheritance. Affected: yes.

PreventionGenetics, part of Exact Sciences
Classification: Benign. Review status: criteria provided, single submitter. Criteria: ACMG Guidelines, 2015. Collection method: clinical testing. Allele origin: germline.

Clinical Genetics, Academic Medical Center
Classification: Benign. Review status: no assertion criteria provided. Collection method: clinical testing. Allele origin: germline. Affected: yes. Study: VKGL Data-share Consensus. Not counted in ClinVar's aggregate classification.

Genome Diagnostics Laboratory, Amsterdam University Medical Center
Classification: Likely benign. Review status: no assertion criteria provided. Collection method: clinical testing. Allele origin: germline. Affected: yes. Study: VKGL Data-share Consensus. Not counted in ClinVar's aggregate classification.

Genome Diagnostics Laboratory, University Medical Center Utrecht
Classification: Likely benign. Review status: no assertion criteria provided. Collection method: clinical testing. Allele origin: germline. Affected: yes. Study: VKGL Data-share Consensus. Not counted in ClinVar's aggregate classification.

Laboratory of Diagnostic Genome Analysis, Leiden University Medical Center (LUMC)
Classification: Likely benign. Review status: no assertion criteria provided. Collection method: clinical testing. Allele origin: germline. Affected: yes. Study: VKGL Data-share Consensus. Not counted in ClinVar's aggregate classification.

Tuberous sclerosis database (TSC2)
No classification provided. Condition: TSC. Review status: no classification provided. Criteria: Tuberous Sclerosis Database Assertion Criteria 2015. Collection method: curation. Allele origin: germline. Affected: yes. Not counted in ClinVar's aggregate classification.

Tuberous sclerosis database (TSC2)
No classification provided. Condition: LAM. Review status: no classification provided. Criteria: Tuberous Sclerosis Database Assertion Criteria 2015. Collection method: curation. Allele origin: germline. Affected: yes. Not counted in ClinVar's aggregate classification.

Literature cited by the submitters: PubMed 9829910 (cited by Athena Diagnostics and Women's Health and Genetics/Laboratory Corporation of America, LabCorp); PubMed 9302281 (cited by Athena Diagnostics and Women's Health and Genetics/Laboratory Corporation of America, LabCorp); PubMed 10633137 (cited by Athena Diagnostics and Women's Health and Genetics/Laboratory Corporation of America, LabCorp); PubMed 16114042 (cited by Athena Diagnostics and Women's Health and Genetics/Laboratory Corporation of America, LabCorp); PubMed 17304050 (cited by Athena Diagnostics); PubMed 15798777 (cited by Athena Diagnostics); PubMed 22558107 (cited by Athena Diagnostics).

NM_000548.5(TSC2):c.4536C>T (p.Asp1512=)

Gene: TSC2 (TSC complex subunit 2; plus strand). Cytogenetic location: 16p13.3.
Variant type: single nucleotide variant.
Coding change: c.4536C>T on transcript NM_000548.5 (MANE Select); coding-DNA position 4536, C replaced by T.
Protein change: p.Asp1512=; no amino-acid change (aspartic acid 1512 retained).
Molecular consequence: synonymous variant.
Genome position (GRCh38, 1-based): chr16:2,084,993, C>T. VCF-style: chr16-2084993-C-T. GRCh37 (hg19) VCF-style: chr16-2134994-C-T.
Other names: p.D1512D:GAC>GAT; p.Asp1512=; c.4536C>T (NM_000548.4); c.4335C>T, p.Asp1445= (NM_001077183.3); c.4467C>T, p.Asp1489= (NM_001114382.3); c.4227C>T, p.Asp1409= (NM_001318827.2); c.4191C>T, p.Asp1397= (NM_001318829.2); c.3804C>T, p.Asp1268= (NM_001318831.2); and 4 more.
Identifiers: ClinVar variation 49504 (VCV000049504.80), dbSNP rs35986575, ClinGen allele CA020618.
Genomic context (GRCh38, chr16:2,084,993, plus strand): 5'-CATCCCCTCCCTGTGCAGTTTCGTGTTCCTGCAGCTCTACCATTCCCCCTTCTTTGGCGA[C>T]GAGTCAAACAAGCCAATCCTGCTGCCCAATGAGGTAGGCGTGGCCTCCCTCTCCTGCATC-3'
Protein context (NP_000539.2, residues 1502-1522): LQLYHSPFFG[Asp1512=]ESNKPILLPN